The following is an entry in ClinVar:

ClinVar aggregate classification (germline): Uncertain significance (1 of 4 stars; one submission).

Submission:

GeneDx
Classification: Uncertain significance. Last evaluated: 2024-10-03. Review status: criteria provided, single submitter. Criteria: GeneDx Variant Classification Process June 2021. Collection method: clinical testing. Allele origin: germline. Affected: yes.
Comment: Not observed at significant frequency in large population cohorts (gnomAD); Alters the Kozak sequence, which plays a major role in the initiation of translation; Has not been previously published as pathogenic or benign to our knowledge

NM_014927.5(CNKSR2):c.-1C>G

Gene: CNKSR2 (connector enhancer of kinase suppressor of Ras 2; plus strand). Cytogenetic location: Xp22.12.
Variant type: single nucleotide variant.
Coding change: c.-1C>G on transcript NM_014927.5 (MANE Select); 1 bases upstream of the start codon, C replaced by G.
Molecular consequence: 5 prime UTR variant.
Genome position (GRCh38, 1-based): chrX:21,374,897, C>G. VCF-style: chrX-21374897-C-G. GRCh37 (hg19) VCF-style: chrX-21393015-C-G.
Other names: c.-1C>G (NM_001168647.3, NM_001168648.3, NM_001168649.3 and 4 more transcripts).
Identifiers: ClinVar variation 3776598 (VCV003776598.1).